The following is an entry in ClinVar:

ClinVar aggregate classification (germline): Uncertain significance. Review status: criteria provided, multiple submitters, no conflicts (2 of 4 stars). 2 submissions from 2 submitters: Uncertain significance (2). Last evaluated 2026-07-01.

Allele frequency attached by ClinVar (database versions not stated): gnomAD exomes below 0.00001.
gnomAD v4.1: 4 of 1,612,788 alleles (0.00025%); highest among the groups gnomAD compares: Non-Finnish European, 0.00025%; no homozygotes.

Submissions (2):

CeGaT Center for Human Genetics Tuebingen
Classification: Uncertain significance. Last evaluated: 2026-07-01. Review status: criteria provided, single submitter. Criteria: CeGaT Center For Human Genetics Tuebingen Variant Classification Criteria Version 2. Collection method: clinical testing. Allele origin: germline. Affected: yes. Observed: 1 variant allele.
Comment: CD2AP: PM2, BP4

Labcorp Genetics (formerly Invitae), Labcorp
Classification: Uncertain significance. Last evaluated: 2022-04-19. Review status: criteria provided, single submitter. Criteria: Invitae Variant Classification Sherloc (09022015). Collection method: clinical testing. Allele origin: germline.
Comment: This variant is not present in population databases (gnomAD no frequency). In summary, the available evidence is currently insufficient to determine the role of this variant in disease. Therefore, it has been classified as a Variant of Uncertain Significance. Algorithms developed to predict the effect of missense changes on protein structure and function (SIFT, PolyPhen-2, Align-GVGD) all suggest that this variant is likely to be tolerated. This variant has not been reported in the literature in individuals affected with CD2AP-related conditions. This sequence change replaces alanine, which is neutral and non-polar, with threonine, which is neutral and polar, at codon 398 of the CD2AP protein (p.Ala398Thr).

NM_012120.3(CD2AP):c.1192G>A (p.Ala398Thr)

Gene: CD2AP (CD2 associated protein; plus strand). Cytogenetic location: 6p12.3.
Variant type: single nucleotide variant.
Coding change: c.1192G>A on transcript NM_012120.3 (MANE Select); coding-DNA position 1192, G replaced by A.
Protein change: p.Ala398Thr; replaces alanine 398 with threonine.
Molecular consequence: missense variant.
Genome position (GRCh38, 1-based): chr6:47,595,944, G>A. VCF-style: chr6-47595944-G-A. GRCh37 (hg19) VCF-style: chr6-47563680-G-A.
Other names: short protein forms A398T.
Identifiers: ClinVar variation 1924562 (VCV001924562.21), dbSNP rs2481338708, ClinGen allele CA363946997.